The following is an entry in ClinVar:

NM_001267550.2(TTN):c.88307-18C>T

Genes: TTN-AS1 (TTN antisense RNA 1; plus strand), TTN (titin; minus strand). Cytogenetic location: 2q31.2.
Variant type: single nucleotide variant.
Coding change: c.88307-18C>T on transcript NM_001267550.2 (MANE Select); 18 bases into the intron before coding-DNA position 88307, C replaced by T.
Molecular consequence: intron variant.
Genome position (GRCh38, 1-based): chr2:178,555,170, G>A on the plus strand (C>T on the coding strand, the complement: TTN is on the minus strand). VCF-style: chr2-178555170-G-A. GRCh37 (hg19) VCF-style: chr2-179419897-G-A.
Other names: c.61112-18C>T (NM_003319.4); c.61688-18C>T (NM_133437.4); c.61487-18C>T (NM_133432.3); c.80603-18C>T (NM_133378.4); c.83384-18C>T (NM_001256850.1).
Identifiers: ClinVar variation 388579 (VCV000388579.9), dbSNP rs547409426, ClinGen allele CA1988163.

ClinVar aggregate classification (germline): Likely benign. Review status: criteria provided, multiple submitters, no conflicts (2 of 4 stars). 2 submissions from 2 submitters: Likely benign (2). Last evaluated 2025-12-14.

Conditions:
Dilated cardiomyopathy 1G (CMD1G). Identifiers: Orphanet 154, MedGen C1858763, MONDO:0011400, OMIM 604145.
Autosomal recessive limb-girdle muscular dystrophy type 2J (LGMDR10). Also called: MUSCULAR DYSTROPHY, LIMB-GIRDLE, AUTOSOMAL RECESSIVE 10; Limb-girdle muscular dystrophy, type 2J. Identifiers: Orphanet 140922, MedGen C1837342, MONDO:0012127, OMIM 608807.

Allele frequency attached by ClinVar (database versions not stated): gnomAD below 0.00001 and 0.00003; TOPMed 0.00001; gnomAD exomes 0.00005 and 0.00013; 1000 Genomes Project 30x 0.00016; ExAC 0.00019; 1000 Genomes Project 0.00020.
gnomAD v4.1: 76 of 1,589,902 alleles (0.0048%); highest among the groups gnomAD compares: South Asian, 0.082%; no homozygotes.

Submissions (2):

Labcorp Genetics (formerly Invitae), Labcorp
Classification: Likely benign for Dilated cardiomyopathy 1G; Autosomal recessive limb-girdle muscular dystrophy type 2J. Last evaluated: 2025-12-14. Review status: criteria provided, single submitter. Criteria: Invitae Variant Classification Sherloc (09022015). Collection method: clinical testing. Allele origin: germline.

GeneDx
Classification: Likely benign. Last evaluated: 2016-08-24. Review status: criteria provided, single submitter. Criteria: GeneDx Variant Classification (06012015). Collection method: clinical testing. Allele origin: germline. Affected: yes.
Comment: This variant is considered likely benign or benign based on one or more of the following criteria: it is a conservative change, it occurs at a poorly conserved position in the protein, it is predicted to be benign by multiple in silico algorithms, and/or has population frequency not consistent with disease.